The following is an entry in ClinVar:

NM_001844.5(COL2A1):c.86-1G>C

Gene: COL2A1 (collagen type II alpha 1 chain; minus strand). Cytogenetic location: 12q13.11.
Variant type: single nucleotide variant.
Coding change: c.86-1G>C on transcript NM_001844.5 (MANE Select); the canonical splice acceptor site of the intron before coding-DNA position 86, G replaced by C.
Molecular consequence: splice acceptor variant. On other transcripts: intron variant (1).
Genome position (GRCh38, 1-based): chr12:48,000,126, C>G on the plus strand (G>C on the coding strand, the complement: COL2A1 is on the minus strand). VCF-style: chr12-48000126-C-G. GRCh37 (hg19) VCF-style: chr12-48393909-C-G.
Other names: c.86-1695G>C (NM_033150.3).
Identifiers: ClinVar variation 2035656 (VCV002035656.4), dbSNP rs2540187950, ClinGen allele CA384526898.

ClinVar aggregate classification (germline): Likely pathogenic (1 of 4 stars; one submission).

Submission:

Labcorp Genetics (formerly Invitae), Labcorp
Classification: Likely pathogenic. Last evaluated: 2022-10-15. Review status: criteria provided, single submitter. Criteria: Invitae Variant Classification Sherloc (09022015). Collection method: clinical testing. Allele origin: germline.
Comment: In summary, the currently available evidence indicates that the variant is pathogenic, but additional data are needed to prove that conclusively. Therefore, this variant has been classified as Likely Pathogenic. Algorithms developed to predict the effect of sequence changes on RNA splicing suggest that this variant may disrupt the consensus splice site. This variant has not been reported in the literature in individuals affected with COL2A1-related conditions. This variant is not present in population databases (gnomAD no frequency). This sequence change affects an acceptor splice site in intron 1 of the COL2A1 gene. It is expected to disrupt RNA splicing. Variants that disrupt the donor or acceptor splice site typically lead to a loss of protein function (PMID: 16199547), and loss-of-function variants in COL2A1 are known to be pathogenic (PMID: 20179744).

Literature cited by the submitters: PubMed 16199547; PubMed 20179744.